The following is an entry in ClinVar:

ClinVar aggregate classification (germline): Pathogenic/Likely pathogenic. Review status: criteria provided, multiple submitters, no conflicts (2 of 4 stars). 10 submissions from 10 submitters: Pathogenic (6); Likely pathogenic (3). 1 of the submissions does not count toward it. Last evaluated 2026-04-06.

Conditions:
TSC2-related disorder. Also called: TSC2-Related Disorders; TSC2-related condition.
Hereditary cancer-predisposing syndrome. Also called: Hereditary Cancer Syndrome; Neoplastic Syndromes, Hereditary; Hereditary neoplastic syndrome; Tumor predisposition. Identifiers: Orphanet 140162, MedGen C0027672, MeSH D009386, MONDO:0015356.
Tuberous sclerosis syndrome (TSC). Also called: Tuberous Sclerosis Complex; Tuberous sclerosis. Identifiers: Orphanet 805, MedGen C0041341, MONDO:0001734.
Tuberous sclerosis 2 (TSC2). Identifiers: Orphanet 805, MedGen C1860707, MONDO:0013199, OMIM 613254.

Submissions (10):

Women's Health and Genetics/Laboratory Corporation of America, LabCorp
Classification: Pathogenic for Tuberous sclerosis syndrome. Last evaluated: 2026-04-06. Review status: criteria provided, single submitter. Criteria: LabCorp Variant Classification Summary - May 2015. Collection method: clinical testing. Allele origin: germline.
Comment: Variant summary: TSC2 c.1283_1285delCCT (p.Ser428del) results in an in-frame deletion that is predicted to remove one amino acid from the encoded protein. The variant was absent in 246874 control chromosomes (gnomAD). c.1283_1285delCCT has been observed in individuals affected with Tuberous Sclerosis Complex, including at least one de novo occurrence (Au_2007, van Eeghen_2013, Rosengren_2020, Milon_2024). These data indicate that the variant is likely to be associated with disease. At least one publication reports experimental evidence evaluating an impact on protein function and this variant affects TSC2 protein function (Rosengren_2020). The following publications have been ascertained in the context of this evaluation (PMID: 17304050, 38806662, 32555378, 22867869). ClinVar contains an entry for this variant (Variation ID: 49644). Based on the evidence outlined above, the variant was classified as pathogenic.

Labcorp Genetics (formerly Invitae), Labcorp
Classification: Pathogenic for Tuberous sclerosis 2. Last evaluated: 2026-01-19. Review status: criteria provided, single submitter. Criteria: Invitae Variant Classification Sherloc (09022015). Collection method: clinical testing. Allele origin: germline.
Comment: This variant, c.1283_1285del, results in the deletion of 1 amino acid(s) of the TSC2 protein (p.Ser428del), but otherwise preserves the integrity of the reading frame. This variant is not present in population databases (gnomAD no frequency). This variant has been observed in individual(s) with clinical features of tuberous sclerosis complex (PMID: 17304050, 21520333, 22867869, 32555378, 38806662, 39110368; internal data). ClinVar contains an entry for this variant (Variation ID: 49644). Algorithms developed to predict the effect of variants on gene product structure and function are not available or were not evaluated for this variant. Experimental studies have shown that this variant affects TSC2 function (PMID: 32555378). For these reasons, this variant has been classified as Pathogenic.

PreventionGenetics, part of Exact Sciences
Classification: Likely pathogenic for TSC2-related condition. Last evaluated: 2026-01-07. Review status: criteria provided, single submitter. Criteria: ACMG Guidelines, 2015. Collection method: clinical testing. Allele origin: germline.
Comment: The TSC2 c.1283_1285delCCT variant is predicted to result in an in-frame deletion (p.Ser428del). This variant has been reported in four individuals with suspected tuberous sclerosis complex (TSC; Supplement, Au et al. 2007. PubMed ID: 17304050; Table S1, van Eeghen et al. 2012. PubMed ID: 22867869; Table 2, Rosengren et al. 2020. PubMed ID: 32555378; referred to as TSC2:p.427_428del in Table S1, Meng et al. 2021. PubMed ID: 32917966). In one of these individuals, this variant was reported as a low level mosaic finding (Read Frequency of 8%; Table 2, Rosengren et al. 2020. PubMed ID: 32555378). In another one of these individuals, the variant was maternally inherited and the TSC diagnosis was uncertain (referred to as TSC2:p.427_428del in Table S1, Meng et al. 2021. PubMed ID: 32917966). This variant has been reported in multiple probands in the Leiden Open Database, several of whom inherited the variant. This variant has been reported in three additional unrelated individuals undergoing TSC genetic testing with clinical features consistent with TSC (PreventionGenetics LLC, Internal Data). In vitro functional studies suggest this variant leads to disrupted TSC-complex function (Rosengren et al. 2020. PubMed ID: 32555378). This variant has not been reported in a large population database (gnomAD), indicating this variant is rare. It is interpreted as pathogenic and likely pathogenic in ClinVar (Variation ID: 49644). This variant is interpreted as likely pathogenic.

Ambry Genetics
Classification: Pathogenic for Hereditary cancer-predisposing syndrome. Last evaluated: 2025-12-24. Review status: criteria provided, single submitter. Criteria: Ambry Variant Classification Scheme 2023. Collection method: clinical testing. Allele origin: germline.
Comment: The c.1283_1285delCCT pathogenic mutation (also known as p.S428del) is located in coding exon 12 of the TSC2 gene. This variant results from an in-frame CCT deletion at nucleotide positions 1283 to 1285. This results in the in-frame deletion of a serine at codon 428. This variant was reported in individuals with features consistent with tuberous sclerosis complex; in at least one individual, it was determined to be de novo (Milon V et al. Eur J Hum Genet, 2024 Dec;32:1590-1598; Zhai S et al. J Perinatol, 2023 Jul;43:864-870; Blasco-P&eacute;rez L et al. J Mol Diagn, 2023 Sep;25:692-701). A protein functional study demonstrated that this variant was deleterious (Rosengren, T et al. Sci Rep 2020 Jun;10(1):9909). This amino acid position is not well conserved in available vertebrate species. In addition, this variant is predicted to be deleterious by in silico analysis (Choi Y et al. PLoS ONE. 2012; 7(10):e46688). Based on the supporting evidence, this variant is interpreted as a disease-causing mutation.

Mayo Clinic Laboratories, Mayo Clinic
Classification: Pathogenic. Last evaluated: 2025-09-15. Review status: criteria provided, single submitter. Criteria: ACMG Guidelines, 2015. Collection method: clinical testing. Allele origin: germline. Observed: 1 variant allele.
Comment: PP4, PM2_supporting, PM4, PM6_strong, PS3_supporting, PS4_moderate

GeneDx
Classification: Pathogenic. Last evaluated: 2023-04-18. Review status: criteria provided, single submitter. Criteria: GeneDx Variant Classification Process June 2021. Collection method: clinical testing. Allele origin: germline. Affected: yes.
Comment: Reported in multiple unrelated individuals with a clinical diagnosis of TSC, including as an assumed de novo variant in two individuals with TSC (Au et al., 2007; van Eeghen et al., 2013; TSC2 LOVD); Published functional studies demonstrate a damaging effect on TSC complex formation and TSC complex dependent inhibition of mTORC1 activity (Rosengren et al., 2020; TSC2 LOVD); Not observed at significant frequency in large population cohorts (gnomAD); In-frame deletion of a single amino acid in a non-repeat region; In silico analysis supports a deleterious effect on protein structure/function; This variant is associated with the following publications: (PMID: 17304050, 21520333, 32917966, 32555378, 22867869, LOVD)

ARUP Laboratories, Molecular Genetics and Genomics, ARUP Laboratories
Classification: Likely pathogenic. Last evaluated: 2020-08-27. Review status: criteria provided, single submitter. Criteria: ARUP Molecular Germline Variant Investigation Process. Collection method: clinical testing. Allele origin: germline.
Comment: The TSC2 c.1283_1285del, p.Ser428del variant (rs137853983; ClinVar Variation ID: 49644), has been previously published following identification in at least three individuals included in screening cohorts for TSC2-related clinical presentations (Au 2007, Rosengren 2020, van Eeghen 2013). Functional evaluation in heterologous cell culture indicates this variant disrupts TSC complex activity as measured by increased downstream mTOR activity (Rosengren 2020). This variant is also absent from general population databases (1000 Genomes Project, Exome Variant Server, and Genome Aggregation Database), indicating it is not a common polymorphism. Based on the available information, the p.Ser428del variant is considered likely pathogenic. References: Au KS et al. Genotype/phenotype correlation in 325 individuals referred for a diagnosis of tuberous sclerosis complex in the United States. Genet Med. 2007 Feb;9(2):88-100. Rosengren et al. Mutational analysis of TSC1 and TSC2 in Danish patients with tuberous sclerosis complex. Sci Rep. 2020 Jun 18;10(1):9909. van Eeghen AM et al. Central TSC2 missense mutations are associated with a reduced risk of infantile spasms. Epilepsy Res. 2013 Jan;103(1):83-7.

Blueprint Genetics
Classification: Likely pathogenic for TSC2-related disorders. Last evaluated: 2020-01-10. Review status: criteria provided, single submitter. Criteria: ACMG Guidelines, 2015. Collection method: clinical testing. Allele origin: germline. Affected: yes. Observed: 1 variant allele.

Oasi Research Institute-IRCCS
Classification: Pathogenic for Tuberous sclerosis 2. Review status: criteria provided, single submitter. Criteria: ACMG Guidelines, 2015. Collection method: research. Allele origin: de novo. Affected: yes.
Comment: Variant c.1283_1285delCCT is an in-frame deletion. ACMG criteria: PP4 (phenotype match), PM2 (absent from control), PS2 (de novo); PP5 (source without evidence) = Pathogenic. Based on the evidence outlined above, the variant was classified as Pathogenic.

Tuberous sclerosis database (TSC2)
No classification provided. Condition: TSC. Review status: no classification provided. Criteria: Tuberous Sclerosis Database Assertion Criteria 2015. Collection method: curation. Allele origin: germline. Affected: yes. Not counted in ClinVar's aggregate classification.

Literature cited by the submitters: PubMed 17304050 (cited by 3 submitters); PubMed 32555378 (cited by 4 submitters); PubMed 38806662 (cited by 4 submitters); PubMed 22867869 (cited by 3 submitters); PubMed 21520333 (cited by Labcorp Genetics (formerly Invitae), Labcorp); PubMed 39110368 (cited by Labcorp Genetics (formerly Invitae), Labcorp and Mayo Clinic Laboratories, Mayo Clinic); PubMed 37330616 (cited by Ambry Genetics); PubMed 37356622 (cited by Ambry Genetics and Mayo Clinic Laboratories, Mayo Clinic); PubMed 32917966 (cited by Mayo Clinic Laboratories, Mayo Clinic); PubMed 40579409 (cited by Mayo Clinic Laboratories, Mayo Clinic).

NM_000548.5(TSC2):c.1283_1285del (p.Ser428del)

Gene: TSC2 (TSC complex subunit 2; plus strand). Cytogenetic location: 16p13.3.
Variant type: Deletion.
Coding change: c.1283_1285del on transcript NM_000548.5 (MANE Select); coding-DNA positions 1283 to 1285, 3 bases deleted (CCT; older notation c.1283_1285delCCT).
Protein change: p.Ser428del; deletes serine 428.
Molecular consequence: inframe deletion.
Genome position (GRCh38, 1-based): chr16:2,062,522-2,062,524, CCT deleted; deleting any 3 consecutive bases within chr16:2,062,520-2,062,524 gives the same sequence; the c. name uses the placement nearest the transcript's 3' end. VCF-style (leftmost placement, unchanged base first): chr16-2062519-TCTC-T. GRCh37 (hg19) VCF-style: chr16-2112520-TCTC-T.
Other names: p.Ser428del; c.1283_1285del, p.Ser428del (NM_001077183.3, NM_001114382.3, NM_001363528.2 and 3 more transcripts); c.1172_1174del, p.Ser391del (NM_001318827.2); c.1136_1138del, p.Ser379del (NM_001318829.2); c.683_685del, p.Ser228del (NM_001318831.2); c.1316_1318del, p.Ser439del (NM_001318832.2); c.1283_1285delCCT (NM_000548.5); short protein forms S428del, S228del, S379del, S391del, S439del.
Identifiers: ClinVar variation 49644 (VCV000049644.29), dbSNP rs137853983, ClinGen allele CA014351.
Genomic context (GRCh38, chr16:2,062,519, plus strand): 5'-GAGGGGCAGAGGGGCAACACCGGCTCTTCTTTTGACAGGAGTCCTCCCTCCTGAACCTGA[TCTC>T]CTATAGAGCGCAGTCCATCCACCCGGCCAAGGACGGCTGGATTCAGAACCTGCAGGCGCT-3'